The following is an entry in ClinVar:

NM_006231.4(POLE):c.5827G>A (p.Ala1943Thr)

Gene: POLE (DNA polymerase epsilon, catalytic subunit; minus strand). Cytogenetic location: 12q24.33.
Variant type: single nucleotide variant.
Coding change: c.5827G>A on transcript NM_006231.4 (MANE Select); coding-DNA position 5827, G replaced by A.
Protein change: p.Ala1943Thr; replaces alanine 1943 with threonine.
Molecular consequence: missense variant.
Genome position (GRCh38, 1-based): chr12:132,634,363, C>T on the plus strand (G>A on the coding strand, the complement: POLE is on the minus strand). VCF-style: chr12-132634363-C-T. GRCh37 (hg19) VCF-style: chr12-133210949-C-T.
Other names: short protein forms A1943T.
Identifiers: ClinVar variation 2024453 (VCV002024453.4), dbSNP rs1365730773, ClinGen allele CA387371873.

ClinVar aggregate classification (germline): Uncertain significance (1 of 4 stars; one submission).

Allele frequency attached by ClinVar (database versions not stated): gnomAD exomes below 0.00001.
gnomAD v4.1: 1 of 1,613,296 alleles (0.000062%); highest among the groups gnomAD compares: South Asian, 0.0011%; no homozygotes.

Submission:

Labcorp Genetics (formerly Invitae), Labcorp
Classification: Uncertain significance. Last evaluated: 2024-05-22. Review status: criteria provided, single submitter. Criteria: Invitae Variant Classification Sherloc (09022015). Collection method: clinical testing. Allele origin: germline.
Comment: This sequence change replaces alanine, which is neutral and non-polar, with threonine, which is neutral and polar, at codon 1943 of the POLE protein (p.Ala1943Thr). This variant is present in population databases (no rsID available, gnomAD 0.003%). This variant has not been reported in the literature in individuals affected with POLE-related conditions. ClinVar contains an entry for this variant (Variation ID: 2024453). An algorithm developed to predict the effect of missense changes on protein structure and function (PolyPhen-2) suggests that this variant is likely to be tolerated. In summary, the available evidence is currently insufficient to determine the role of this variant in disease. Therefore, it has been classified as a Variant of Uncertain Significance.